The following is an entry in ClinVar:

ClinVar aggregate classification (germline): Benign. Review status: criteria provided, multiple submitters, no conflicts (2 of 4 stars). 23 submissions from 19 submitters: Benign (19). 4 of the submissions do not count toward it. Last evaluated 2026-02-04.

Conditions:
Cardiovascular phenotype. Identifiers: MedGen CN230736.
Desmin-related myofibrillar myopathy (MFM1). Also called: MYOFIBRILLAR MYOPATHY WITH ARRHYTHMOGENIC RIGHT VENTRICULAR CARDIOMYOPATHY; DESMIN-RELATED MYOPATHY WITH ARRHYTHMOGENIC RIGHT VENTRICULAR CARDIOMYOPATHY; Myofibrillar myopathy 1; Desmin related myopathy (former name); Desmin storage myopathy (former name); Desminopathy. Identifiers: Orphanet 363543, Orphanet 98909, MedGen C1832370, MONDO:0011076, OMIM 601419.
Cardiomyopathy (CMYO). Also called: Cardiomyopathies. Identifiers: Orphanet 167848, MedGen C0878544, MONDO:0004994, HP:0001638. Inheritance: Various modes of inheritance.
Neurogenic scapuloperoneal syndrome, Kaeser type (SCPNK). Also called: KAESER SYNDROME. Identifiers: Orphanet 85146, MedGen C1867005, MONDO:0008407, OMIM 181400.
Dilated cardiomyopathy 1I (CMD1I). Identifiers: Orphanet 154, MedGen C1858154, MONDO:0011482, OMIM 604765.

Allele frequency attached by ClinVar (database versions not stated): 1000 Genomes Project 30x 0.85712; 1000 Genomes Project 0.86601; ESP Exome Variant Server 0.87939; gnomAD exomes 0.97855; TOPMed 0.86661; gnomAD 0.88201.
gnomAD v4.1: 1,554,571 of 1,604,920 alleles (97%); highest among the groups gnomAD compares: East Asian, 100%; 758,258 homozygotes.

Submissions (23):

Labcorp Genetics (formerly Invitae), Labcorp
Classification: Benign for Desmin-related myofibrillar myopathy. Last evaluated: 2026-02-04. Review status: criteria provided, single submitter. Criteria: Invitae Variant Classification Sherloc (09022015). Collection method: clinical testing. Allele origin: germline.

Molecular Diagnostic Laboratory for Inherited Cardiovascular Disease, Montreal Heart Institute
Classification: Benign. Last evaluated: 2025-04-09. Review status: criteria provided, single submitter. Criteria: ACMG Guidelines, 2015. Collection method: clinical testing. Allele origin: germline. Affected: no.

Blueprint Genetics
Classification: Benign. Last evaluated: 2024-11-26. Review status: criteria provided, single submitter. Criteria: ACMG Guidelines, 2015. Collection method: clinical testing. Allele origin: germline.

Genome-Nilou Lab
Classification: Benign for Dilated cardiomyopathy 1I. Last evaluated: 2021-07-30. Review status: criteria provided, single submitter. Criteria: ACMG Guidelines, 2015. Collection method: clinical testing. Allele origin: germline. Affected: no.

Genome-Nilou Lab
Classification: Benign for Desmin-related myofibrillar myopathy. Last evaluated: 2021-07-30. Review status: criteria provided, single submitter. Criteria: ACMG Guidelines, 2015. Collection method: clinical testing. Allele origin: germline. Affected: no.

Genome-Nilou Lab
Classification: Benign for Neurogenic scapuloperoneal syndrome, Kaeser type. Last evaluated: 2021-07-30. Review status: criteria provided, single submitter. Criteria: ACMG Guidelines, 2015. Collection method: clinical testing. Allele origin: germline. Affected: no.

Illumina Laboratory Services, Illumina
Classification: Benign for Dilated cardiomyopathy 1I. Last evaluated: 2018-01-12. Review status: criteria provided, single submitter. Criteria: ICSL Variant Classification Criteria 13 December 2019. Collection method: clinical testing. Allele origin: germline.
Comment: This variant was observed in the ICSL laboratory as part of a predisposition screen in an ostensibly healthy population. It had not been previously curated by ICSL or reported in the Human Gene Mutation Database (HGMD: prior to June 1st, 2018), and was therefore a candidate for classification through an automated scoring system. Utilizing variant allele frequency, disease prevalence and penetrance estimates, and inheritance mode, an automated score was calculated to assess if this variant is too frequent to cause the disease. Based on the score and internal cut-off values, a variant classified as benign is not then subjected to further curation. The score for this variant resulted in a classification of benign for this disease.

Illumina Laboratory Services, Illumina
Classification: Benign for Neurogenic scapuloperoneal syndrome, Kaeser type. Last evaluated: 2018-01-12. Review status: criteria provided, single submitter. Criteria: ICSL Variant Classification Criteria 13 December 2019. Collection method: clinical testing. Allele origin: germline.
Comment: the same text as in the submission from Illumina Laboratory Services, Illumina above.

Illumina Laboratory Services, Illumina
Classification: Benign for Myofibrillar myopathy 1. Last evaluated: 2018-01-12. Review status: criteria provided, single submitter. Criteria: ICSL Variant Classification Criteria 13 December 2019. Collection method: clinical testing. Allele origin: germline.
Comment: the same text as in the submission from Illumina Laboratory Services, Illumina above.

Mayo Clinic Laboratories, Mayo Clinic
Classification: Benign. Last evaluated: 2017-07-21. Review status: criteria provided, single submitter. Criteria: ACMG Guidelines, 2015. Collection method: clinical testing. Allele origin: germline. Observed: 2,371 variant alleles.

Athena Diagnostics
Classification: Benign. Last evaluated: 2017-07-12. Review status: criteria provided, single submitter. Criteria: Athena Diagnostics Criteria. Collection method: clinical testing. Allele origin: germline.

Eurofins Ntd Llc (ga)
Classification: Benign. Last evaluated: 2016-06-02. Review status: criteria provided, single submitter. Criteria: EGL Classification Definitions 2015. Collection method: clinical testing. Allele origin: germline. Observed: 23 variant alleles, 5 heterozygotes, 18 homozygotes.

Ambry Genetics
Classification: Benign for Cardiovascular phenotype. Last evaluated: 2015-03-11. Review status: criteria provided, single submitter. Criteria: Ambry Variant Classification Scheme 2023. Collection method: clinical testing. Allele origin: germline.

Genetic Services Laboratory, University of Chicago
Classification: Benign for AllHighlyPenetrant. Last evaluated: 2013-08-15. Review status: criteria provided, single submitter. Criteria: ACMG Guidelines, 2007. Collection method: clinical testing. Allele origin: germline. Inheritance: Autosomal dominant inheritance.

GeneDx
Classification: Benign. Last evaluated: 2012-09-25. Review status: criteria provided, single submitter. Criteria: GeneDx Variant Classification (06012015). Collection method: clinical testing. Allele origin: germline. Affected: yes.
Comment: This variant is considered likely benign or benign based on one or more of the following criteria: it is a conservative change, it occurs at a poorly conserved position in the protein, it is predicted to be benign by multiple in silico algorithms, and/or has population frequency not consistent with disease.

Women's Health and Genetics/Laboratory Corporation of America, LabCorp
Classification: Benign for Cardiomyopathy. Last evaluated: 2011-08-18. Review status: criteria provided, single submitter. Criteria: LabCorp Variant Classification Summary - May 2015. Collection method: curation. Allele origin: germline. Inheritance: autosomal unknown. Affected: yes.
ClinVar note: Converted during submission from benign to Benign.

Laboratory for Molecular Medicine, Mass General Brigham Personalized Medicine
Classification: Benign. Last evaluated: 2011-07-20. Review status: criteria provided, single submitter. Criteria: LMM Criteria. Collection method: clinical testing. Allele origin: germline. Observed: 2,021 variant alleles.

Breakthrough Genomics
Classification: Benign. Review status: criteria provided, single submitter. Criteria: ACMG Guidelines, 2015. Collection method: not provided. Allele origin: germline. Inheritance: Autosomal recessive inheritance. Affected: yes.

PreventionGenetics, part of Exact Sciences
Classification: Benign. Review status: criteria provided, single submitter. Criteria: ACMG Guidelines, 2015. Collection method: clinical testing. Allele origin: germline.

Clinical Genetics DNA and cytogenetics Diagnostics Lab, Erasmus MC, Erasmus Medical Center
Classification: Benign. Review status: no assertion criteria provided. Collection method: clinical testing. Allele origin: germline. Affected: yes. Study: VKGL Data-share Consensus. Not counted in ClinVar's aggregate classification.

Clinical Genetics, Academic Medical Center
Classification: Benign. Review status: no assertion criteria provided. Collection method: clinical testing. Allele origin: germline. Affected: yes. Study: VKGL Data-share Consensus. Not counted in ClinVar's aggregate classification.

Diagnostic Laboratory, Department of Genetics, University Medical Center Groningen
Classification: Benign. Review status: no assertion criteria provided. Collection method: clinical testing. Allele origin: germline. Affected: yes. Study: VKGL Data-share Consensus. Not counted in ClinVar's aggregate classification.

Joint Genome Diagnostic Labs from Nijmegen and Maastricht, Radboudumc and MUMC+
Classification: Benign. Review status: no assertion criteria provided. Collection method: clinical testing. Allele origin: germline. Affected: yes. Study: VKGL Data-share Consensus. Not counted in ClinVar's aggregate classification.

NM_001927.4(DES):c.93T>C (p.Ser31=)

Gene: DES (desmin; plus strand). Cytogenetic location: 2q35.
Variant type: single nucleotide variant.
Coding change: c.93T>C on transcript NM_001927.4 (MANE Select); coding-DNA position 93, T replaced by C.
Protein change: p.Ser31=; no amino-acid change (serine 31 retained).
Molecular consequence: synonymous variant.
Genome position (GRCh38, 1-based): chr2:219,418,555, T>C. VCF-style: chr2-219418555-T-C. GRCh37 (hg19) VCF-style: chr2-220283277-T-C.
Other names: p.S31S:AGT>AGC; p.Ser31=.
Identifiers: ClinVar variation 36003 (VCV000036003.45), dbSNP rs2017800, ClinGen allele CA282356.